The following is an entry in ClinVar:

ClinVar aggregate classification (germline): Conflicting classifications of pathogenicity. Review status: criteria provided, conflicting classifications (1 of 4 stars). 7 submissions from 7 submitters: Uncertain significance (6); Benign (1). Last evaluated 2025-05-19.

Conditions:
Hereditary breast ovarian cancer syndrome. Also called: BRCA1- and BRCA2-Associated Hereditary Breast and Ovarian Cancer; Hereditary breast and ovarian cancer; Breast and ovarian cancer; Hereditary breast and/or ovarian cancer syndrome; Hereditary breast and ovarian cancer syndrome; Hereditary breast and ovarian cancer syndrome (HBOC). Identifiers: Orphanet 145, MedGen C0677776, MeSH D061325, MONDO:0003582. Disease mechanism: loss of function.
Hereditary cancer-predisposing syndrome. Also called: Neoplastic Syndromes, Hereditary; Tumor predisposition; Hereditary Cancer Syndrome; Hereditary neoplastic syndrome. Identifiers: Orphanet 140162, MedGen C0027672, MeSH D009386, MONDO:0015356.
Familial prostate cancer. Also called: Hereditary Prostate Cancer. Identifiers: MedGen C2931456, MONDO:0700275, OMIM 176807.

Allele frequency attached by ClinVar (database versions not stated): gnomAD exomes below 0.00001.

Submissions (7):

Ambry Genetics
Classification: Benign for Hereditary cancer-predisposing syndrome. Last evaluated: 2025-05-19. Review status: criteria provided, single submitter. Criteria: Ambry Variant Classification Scheme 2023. Collection method: clinical testing. Allele origin: germline.

Quest Diagnostics Nichols Institute San Juan Capistrano
Classification: Uncertain significance. Last evaluated: 2025-05-06. Review status: criteria provided, single submitter. Criteria: Quest Diagnostics criteria. Collection method: clinical testing. Allele origin: unknown.
Comment: The BRCA2 c.8744C>T (p.Ala2915Val) variant has been reported in the published literature to have no deleterious effect on BRCA2 protein function (PMID: 37922907 (2023)). However, additional studies are required to validate these findings. This variant has not been reported in large, multi-ethnic general populations (Genome Aggregation Database). Analysis of this variant using bioinformatics tools for the prediction of the effect of amino acid changes on protein structure and function yielded predictions that this variant is benign. Based on the available information, we are unable to determine the clinical significance of this variant.

Color Diagnostics, LLC DBA Color Health
Classification: Uncertain significance for Hereditary cancer-predisposing syndrome. Last evaluated: 2025-05-05. Review status: criteria provided, single submitter. Criteria: ACMG Guidelines, 2015. Collection method: clinical testing. Allele origin: germline.
Comment: This missense variant replaces alanine with valine at codon 2915 of the BRCA2 protein. Computational prediction suggests that this variant may not impact protein structure and function. To our knowledge, functional studies have not been reported for this variant. This variant has not been reported in individuals affected with BRCA2-related disorders in the literature. This variant has not been identified in the general population by the Genome Aggregation Database (gnomAD). The available evidence is insufficient to determine the role of this variant in disease conclusively. Therefore, this variant is classified as a Variant of Uncertain Significance.

Labcorp Genetics (formerly Invitae), Labcorp
Classification: Uncertain significance for Hereditary breast ovarian cancer syndrome. Last evaluated: 2023-09-04. Review status: criteria provided, single submitter. Criteria: Invitae Variant Classification Sherloc (09022015). Collection method: clinical testing. Allele origin: germline.
Comment: Advanced modeling of protein sequence and biophysical properties (such as structural, functional, and spatial information, amino acid conservation, physicochemical variation, residue mobility, and thermodynamic stability) performed at Invitae indicates that this missense variant is not expected to disrupt BRCA2 protein function. ClinVar contains an entry for this variant (Variation ID: 481582). This variant has not been reported in the literature in individuals affected with BRCA2-related conditions. This sequence change replaces alanine, which is neutral and non-polar, with valine, which is neutral and non-polar, at codon 2915 of the BRCA2 protein (p.Ala2915Val). This variant is not present in population databases (gnomAD no frequency). In summary, the available evidence is currently insufficient to determine the role of this variant in disease. Therefore, it has been classified as a Variant of Uncertain Significance.

Department of Pathology and Laboratory Medicine, Sinai Health System
Classification: Uncertain significance for Familial prostate cancer. Last evaluated: 2023-05-08. Review status: criteria provided, single submitter. Criteria: ACMG Guidelines, 2015. Collection method: clinical testing. Allele origin: germline. Affected: yes.

Mendelics
Classification: Uncertain significance. Last evaluated: 2022-05-04. Review status: criteria provided, single submitter. Criteria: Mendelics Assertion Criteria 2019. Collection method: clinical testing. Allele origin: germline.

Women's Health and Genetics/Laboratory Corporation of America, LabCorp
Classification: Uncertain significance. Last evaluated: 2021-03-22. Review status: criteria provided, single submitter. Criteria: LabCorp Variant Classification Summary - May 2015. Collection method: clinical testing. Allele origin: germline.
Comment: Variant summary: BRCA2 c.8744C>T (p.Ala2915Val) results in a non-conservative amino acid change in the encoded protein sequence. Three of five in-silico tools predict a benign effect of the variant on protein function. The variant was absent in 251130 control chromosomes (gnomAD). The available data on variant occurrences in the general population are insufficient to allow any conclusion about variant significance. To our knowledge, no occurrence of c.8744C>T in individuals affected with Hereditary Breast and Ovarian Cancer Syndrome and no experimental evidence demonstrating its impact on protein function have been reported. Three clinical diagnostic laboratories have submitted clinical-significance assessments for this variant to ClinVar after 2014 without evidence for independent evaluation. All laboratories classified the variant as uncertain significance. Based on the evidence outlined above, the variant was classified as uncertain significance.

Literature cited by the submitters: PubMed 37922907 (cited by Quest Diagnostics Nichols Institute San Juan Capistrano).

NM_000059.4(BRCA2):c.8744C>T (p.Ala2915Val)

Gene: BRCA2 (BRCA2 DNA repair associated; plus strand). Cytogenetic location: 13q13.1.
Variant type: single nucleotide variant.
Coding change: c.8744C>T on transcript NM_000059.4 (MANE Select); coding-DNA position 8744, C replaced by T.
Protein change: p.Ala2915Val; replaces alanine 2915 with valine.
Molecular consequence: missense variant.
Genome position (GRCh38, 1-based): chr13:32,376,781, C>T. VCF-style: chr13-32376781-C-T. GRCh37 (hg19) VCF-style: chr13-32950918-C-T.
Other names: short protein forms A2915V.
Identifiers: ClinVar variation 481582 (VCV000481582.20), dbSNP rs1310128359, ClinGen allele CA387755061.
Genomic context (GRCh38, chr13:32,376,781, plus strand): 5'-TTCGTGCTTTGCAAGATGGTGCAGAGCTTTATGAAGCAGTGAAGAATGCAGCAGACCCAG[C>T]TTACCTTGAGGTGAGAGAGTAAGAGGACATATAATGAGGCTTGATGATTATTCAAGGTGA-3'
Protein context (NP_000050.3, residues 2905-2925): YEAVKNAADP[Ala2915Val]YLEGYFSEEQ